The following is an entry in ClinVar:

ClinVar aggregate classification (germline): Uncertain significance. Review status: criteria provided, multiple submitters, no conflicts (2 of 4 stars). 5 submissions from 5 submitters: Uncertain significance (3). 2 of the submissions do not count toward it. Last evaluated 2026-05-19.

Conditions:
Usher syndrome type 1 (USH1). Also called: RETINITIS PIGMENTOSA AND CONGENITAL DEAFNESS. Identifiers: Orphanet 231169, Orphanet 886, MedGen C1568247, MONDO:0010168, OMIM 276900.
Autosomal recessive nonsyndromic hearing loss 2. Also called: DEAFNESS, AUTOSOMAL RECESSIVE 2; NEUROSENSORY NONSYNDROMIC RECESSIVE DEAFNESS 2. Identifiers: Orphanet 90636, MedGen C1838701, MONDO:0010807, OMIM 600060.
Usher syndrome type 1B (USH1B). Also called: Usher syndrome type IB. Identifiers: MedGen C1848638, MONDO:0700087.

Allele frequency attached by ClinVar (database versions not stated): gnomAD exomes 0.00001; ExAC 0.00002; TOPMed 0.00001.
gnomAD v4.1: 11 of 1,609,014 alleles (0.00068%); highest among the groups gnomAD compares: Non-Finnish European, 0.00085%; no homozygotes.

Submissions (5):

GeneDx
Classification: Uncertain significance. Last evaluated: 2026-05-19. Review status: criteria provided, single submitter. Criteria: GeneDx Variant Classification Process June 2021. Collection method: clinical testing. Allele origin: germline.
Comment: Not observed at significant frequency in large population cohorts (gnomAD); In silico analysis supports that this missense variant has a deleterious effect on protein structure/function; Has not been previously published as pathogenic or benign to our knowledge

Labcorp Genetics (formerly Invitae), Labcorp
Classification: Uncertain significance. Last evaluated: 2026-01-27. Review status: criteria provided, single submitter. Criteria: Invitae Variant Classification Sherloc (09022015). Collection method: clinical testing. Allele origin: germline.
Comment: This sequence change replaces proline, which is neutral and non-polar, with arginine, which is basic and polar, at codon 61 of the MYO7A protein (p.Pro61Arg). This variant is present in population databases (rs397516289, gnomAD 0.0009%). This variant has not been reported in the literature in individuals affected with MYO7A-related conditions. ClinVar contains an entry for this variant (Variation ID: 43158). Invitae Evidence Modeling of protein sequence and biophysical properties (such as structural, functional, and spatial information, amino acid conservation, physicochemical variation, residue mobility, and thermodynamic stability) has been performed for this missense variant. However, the output from this modeling did not meet the statistical confidence thresholds required to predict the impact of this variant on MYO7A protein function. In summary, the available evidence is currently insufficient to determine the role of this variant in disease. Therefore, it has been classified as a Variant of Uncertain Significance.

Laboratory for Molecular Medicine, Mass General Brigham Personalized Medicine
Classification: Uncertain significance. Last evaluated: 2010-05-19. Review status: criteria provided, single submitter. Criteria: LMM Criteria. Collection method: clinical testing. Allele origin: germline. Observed: 1 variant allele.

Natera, Inc.
Classification: Uncertain significance for Usher syndrome type 1B. Last evaluated: 2021-03-05. Review status: no assertion criteria provided. Collection method: clinical testing. Allele origin: germline. Not counted in ClinVar's aggregate classification.

Counsyl
Classification: Uncertain significance for Usher syndrome type 1; Autosomal recessive nonsyndromic hearing loss 2. Last evaluated: 2018-02-13. Review status: no assertion criteria provided. Collection method: clinical testing. Allele origin: unknown. Not counted in ClinVar's aggregate classification.

NM_000260.4(MYO7A):c.182C>G (p.Pro61Arg)

Gene: MYO7A (myosin VIIA; plus strand). Cytogenetic location: 11q13.5.
Variant type: single nucleotide variant.
Coding change: c.182C>G on transcript NM_000260.4 (MANE Select); coding-DNA position 182, C replaced by G.
Protein change: p.Pro61Arg; replaces proline 61 with arginine.
Molecular consequence: missense variant.
Genome position (GRCh38, 1-based): chr11:77,147,847, C>G. VCF-style: chr11-77147847-C-G. GRCh37 (hg19) VCF-style: chr11-76858893-C-G.
Other names: c.182C>G, p.Pro61Arg (NM_001127180.2); c.149C>G, p.Pro50Arg (NM_001369365.1); short protein forms P61R, P50R.
Identifiers: ClinVar variation 43158 (VCV000043158.10), dbSNP rs397516289, ClinGen allele CA132221.